The following is an entry in ClinVar:

NM_001164508.2(NEB):c.10341G>A (p.Met3447Ile)

Gene: NEB (nebulin; minus strand). Cytogenetic location: 2q23.3.
Variant type: single nucleotide variant.
Coding change: c.10341G>A on transcript NM_001164508.2 (MANE Select); coding-DNA position 10341, G replaced by A.
Protein change: p.Met3447Ile; replaces methionine 3447 with isoleucine.
Molecular consequence: missense variant.
Genome position (GRCh38, 1-based): chr2:151,627,008, C>T on the plus strand (G>A on the coding strand, the complement: NEB is on the minus strand). VCF-style: chr2-151627008-C-T. GRCh37 (hg19) VCF-style: chr2-152483522-C-T.
Other names: c.10341G>A, p.Met3447Ile (NM_001164507.2, NM_001271208.2); c.9612G>A, p.Met3204Ile (NM_004543.5); short protein forms M3204I, M3447I.
Identifiers: ClinVar variation 281743 (VCV000281743.55), dbSNP rs370053963, ClinGen allele CA1909062.

ClinVar aggregate classification (germline): Conflicting classifications of pathogenicity. Review status: criteria provided, conflicting classifications (1 of 4 stars). 12 submissions from 12 submitters: Uncertain significance (7); Benign (1). 4 of the submissions do not count toward it. Last evaluated 2026-09-01.

Conditions:
NEB-related disorder. Also called: NEB-Related Disorders; NEB-related condition.
Nemaline myopathy 2 (NEM2). Also called: Nemaline myopathy 2, autosomal recessive. Identifiers: MedGen C1850569, MONDO:0009725, OMIM 256030.
Arthrogryposis multiplex congenita 6. Identifiers: MedGen C5543431, MONDO:0030281, OMIM 619334.
Inborn genetic diseases. Identifiers: MedGen C0950123, MeSH D030342.

Allele frequency attached by ClinVar (database versions not stated): ESP Exome Variant Server 0.00016; gnomAD exomes 0.00016 and 0.00032; TOPMed 0.00021; ExAC 0.00023; gnomAD 0.00026.

Submissions (12):

CeGaT Center for Human Genetics Tuebingen
Classification: Uncertain significance. Last evaluated: 2026-09-01. Review status: criteria provided, single submitter. Criteria: CeGaT Center For Human Genetics Tuebingen Variant Classification Criteria Version 2. Collection method: clinical testing. Allele origin: germline. Affected: yes. Observed: 2 variant alleles.

Labcorp Genetics (formerly Invitae), Labcorp
Classification: Benign for Nemaline myopathy 2. Last evaluated: 2026-01-20. Review status: criteria provided, single submitter. Criteria: Invitae Variant Classification Sherloc (09022015). Collection method: clinical testing. Allele origin: germline.

Department of Pathology and Laboratory Medicine, Sinai Health System
Classification: Uncertain significance for Nemaline myopathy 2; Arthrogryposis multiplex congenita 6. Last evaluated: 2022-12-05. Review status: criteria provided, single submitter. Criteria: ACMG Guidelines, 2015. Collection method: research. Allele origin: germline.

Ambry Genetics
Classification: Uncertain significance for Inborn genetic diseases. Last evaluated: 2022-06-10. Review status: criteria provided, single submitter. Criteria: Ambry Variant Classification Scheme 2023. Collection method: clinical testing. Allele origin: germline.

Women's Health and Genetics/Laboratory Corporation of America, LabCorp
Classification: Uncertain significance. Last evaluated: 2022-02-01. Review status: criteria provided, single submitter. Criteria: LabCorp Variant Classification Summary - May 2015. Collection method: clinical testing. Allele origin: germline.

Illumina Laboratory Services, Illumina
Classification: Uncertain significance for Nemaline myopathy 2. Last evaluated: 2018-01-13. Review status: criteria provided, single submitter. Criteria: ICSL Variant Classification Criteria 13 December 2019. Collection method: clinical testing. Allele origin: germline.

Athena Diagnostics
Classification: Uncertain significance. Last evaluated: 2017-06-20. Review status: criteria provided, single submitter. Criteria: Athena Diagnostics Criteria. Collection method: clinical testing. Allele origin: germline.

Eurofins Ntd Llc (ga)
Classification: Uncertain significance. Last evaluated: 2015-06-23. Review status: criteria provided, single submitter. Criteria: EGL Classification Definitions 2015. Collection method: clinical testing. Allele origin: germline. Observed: 1 variant allele, 1 heterozygote.

PreventionGenetics, part of Exact Sciences
Classification: Likely benign for NEB-related condition. Last evaluated: 2022-11-07. Review status: no assertion criteria provided. Collection method: clinical testing. Allele origin: germline. Not counted in ClinVar's aggregate classification.
Comment: This variant is classified as likely benign based on ACMG/AMP sequence variant interpretation guidelines (Richards et al. 2015 PMID: 25741868, with internal and published modifications).

Natera, Inc.
Classification: Uncertain significance for Nemaline myopathy type 2. Last evaluated: 2020-01-17. Review status: no assertion criteria provided. Collection method: clinical testing. Allele origin: germline. Not counted in ClinVar's aggregate classification.

Clinical Genetics DNA and cytogenetics Diagnostics Lab, Erasmus MC, Erasmus Medical Center
Classification: Uncertain significance. Review status: no assertion criteria provided. Collection method: clinical testing. Allele origin: germline. Affected: yes. Study: VKGL Data-share Consensus. Not counted in ClinVar's aggregate classification.

Laboratory of Diagnostic Genome Analysis, Leiden University Medical Center (LUMC)
Classification: Uncertain significance. Review status: no assertion criteria provided. Collection method: clinical testing. Allele origin: germline. Affected: yes. Study: VKGL Data-share Consensus. Not counted in ClinVar's aggregate classification.